The following is an entry in ClinVar:

NM_022773.4(LMF1):c.861G>T (p.Ala287=)

Gene: LMF1 (lipase maturation factor 1; minus strand). Cytogenetic location: 16p13.3.
Variant type: single nucleotide variant.
Coding change: c.861G>T on transcript NM_022773.4 (MANE Select); coding-DNA position 861, G replaced by T.
Protein change: p.Ala287=; no amino-acid change (alanine 287 retained).
Molecular consequence: synonymous variant. On other transcripts: non-coding transcript variant (1).
Genome position (GRCh38, 1-based): chr16:879,606, C>A on the plus strand (G>T on the coding strand, the complement: LMF1 is on the minus strand). VCF-style: chr16-879606-C-A. GRCh37 (hg19) VCF-style: chr16-929606-C-A.
Other names: c.210G>T, p.Ala70= (NM_001352017.2, NM_001352021.2); c.462G>T, p.Ala154= (NM_001352018.2); c.534G>T, p.Ala178= (NM_001352019.2); c.861G>T, p.Ala287= (NM_001352020.1).
Identifiers: ClinVar variation 741000 (VCV000741000.7), dbSNP rs61740409, ClinGen allele CA276585851.

ClinVar aggregate classification (germline): Likely benign. Review status: criteria provided, multiple submitters, no conflicts (2 of 4 stars). 3 submissions from 3 submitters: Likely benign (2). 1 of the submissions does not count toward it. Last evaluated 2021-07-07.

Conditions:
LMF1-related disorder. Also called: LMF1-related condition.
Cardiovascular phenotype. Identifiers: MedGen CN230736.

gnomAD v4.1: 13 of 1,612,928 alleles (0.00081%); highest among the groups gnomAD compares: African/African-American, 0.012%; no homozygotes.

Submissions (3):

Ambry Genetics
Classification: Likely benign for Cardiovascular phenotype. Last evaluated: 2021-07-07. Review status: criteria provided, single submitter. Criteria: Ambry Variant Classification Scheme 2023. Collection method: clinical testing. Allele origin: germline.

Labcorp Genetics (formerly Invitae), Labcorp
Classification: Likely benign. Last evaluated: 2018-04-18. Review status: criteria provided, single submitter. Criteria: Invitae Variant Classification Sherloc (09022015). Collection method: clinical testing. Allele origin: germline.

PreventionGenetics, part of Exact Sciences
Classification: Likely benign for LMF1-related condition. Last evaluated: 2024-01-08. Review status: no assertion criteria provided. Collection method: clinical testing. Allele origin: germline. Not counted in ClinVar's aggregate classification.
Comment: This variant is classified as likely benign based on ACMG/AMP sequence variant interpretation guidelines (Richards et al. 2015 PMID: 25741868, with internal and published modifications).